The following is an entry in ClinVar:

NM_004958.4(MTOR):c.4452C>T (p.Leu1484=)

Gene: MTOR (mechanistic target of rapamycin kinase; minus strand). Cytogenetic location: 1p36.22.
Variant type: single nucleotide variant.
Coding change: c.4452C>T on transcript NM_004958.4 (MANE Select); coding-DNA position 4452, C replaced by T.
Protein change: p.Leu1484=; no amino-acid change (leucine 1484 retained).
Molecular consequence: synonymous variant.
Genome position (GRCh38, 1-based): chr1:11,157,169, G>A on the plus strand (C>T on the coding strand, the complement: MTOR is on the minus strand). VCF-style: chr1-11157169-G-A. GRCh37 (hg19) VCF-style: chr1-11217226-G-A.
Identifiers: ClinVar variation 701480 (VCV000701480.14), dbSNP rs199569676, ClinGen allele CA589641.
Genomic context (GRCh38, chr1:11,157,169, plus strand): 5'-AAGTCTCTTGCAGCCACACATGCCATCATTCTAGGAAGCTCACCATTCCCCCAAGGCCTC[G>A]AGGCAGCGCATGCGGCCCAGCATCAGCTCTGGGTCGTCCTTGTTGGTGTCCATTTTCTTG-3'
Protein context (NP_004949.1, residues 1474-1494): PELMLGRMRC[Leu1484=]EALGEWGQLH

ClinVar aggregate classification (germline): Likely benign. Review status: criteria provided, multiple submitters, no conflicts (2 of 4 stars). 3 submissions from 3 submitters: Likely benign (3). Last evaluated 2026-05-01.

Allele frequency attached by ClinVar (database versions not stated): gnomAD 0.00001 and 0.00003; TOPMed 0.00001; 1000 Genomes Project 30x 0.00016; 1000 Genomes Project 0.00020.
gnomAD v4.1: 34 of 1,609,910 alleles (0.0021%); highest among the groups gnomAD compares: East Asian, 0.011%; no homozygotes.

Submissions (3):

CeGaT Center for Human Genetics Tuebingen
Classification: Likely benign. Last evaluated: 2026-05-01. Review status: criteria provided, single submitter. Criteria: CeGaT Center For Human Genetics Tuebingen Variant Classification Criteria Version 2. Collection method: clinical testing. Allele origin: germline. Affected: yes. Observed: 1 variant allele.
Comment: MTOR: BP4, BP7

Labcorp Genetics (formerly Invitae), Labcorp
Classification: Likely benign. Last evaluated: 2025-11-25. Review status: criteria provided, single submitter. Criteria: Invitae Variant Classification Sherloc (09022015). Collection method: clinical testing. Allele origin: germline.

Blueprint Genetics
Classification: Likely benign. Last evaluated: 2024-07-19. Review status: criteria provided, single submitter. Criteria: ACMG Guidelines, 2015. Collection method: clinical testing. Allele origin: germline.